The following is an entry in ClinVar:

ClinVar aggregate classification (germline): Benign. Review status: criteria provided, multiple submitters, no conflicts (2 of 4 stars). 7 submissions from 7 submitters: Benign (7). Last evaluated 2026-02-01.

Conditions:
Nonsyndromic genetic hearing loss. Also called: Nonsyndromic hearing loss and deafness; Non-syndromic genetic deafness; Nonsyndromic genetic deafness. Identifiers: Orphanet 87884, MedGen C5680182, MONDO:0019497.

Allele frequency attached by ClinVar (database versions not stated): 1000 Genomes Project 30x 0.01936; 1000 Genomes Project 0.02017; TOPMed 0.02971; gnomAD 0.03217 and 0.03256; gnomAD exomes 0.03525 and 0.04334; ExAC 0.03646; ESP Exome Variant Server 0.03752.
gnomAD v4.1: 68,291 of 1,612,876 alleles (4.2%); highest among the groups gnomAD compares: Middle Eastern, 5.2%; 1,634 homozygotes.

Submissions (7):

Labcorp Genetics (formerly Invitae), Labcorp
Classification: Benign. Last evaluated: 2026-02-01. Review status: criteria provided, single submitter. Criteria: Invitae Variant Classification Sherloc (09022015). Collection method: clinical testing. Allele origin: germline.

Department of Pathology and Laboratory Medicine, Sinai Health System
Classification: Benign for nonsyndromic genetic hearing loss. Last evaluated: 2023-01-18. Review status: criteria provided, single submitter. Criteria: ACMG Guidelines, 2015. Collection method: research. Allele origin: germline.

Athena Diagnostics
Classification: Benign. Last evaluated: 2018-09-12. Review status: criteria provided, single submitter. Criteria: Athena Diagnostics Criteria. Collection method: clinical testing. Allele origin: germline.

GeneDx
Classification: Benign. Last evaluated: 2017-09-29. Review status: criteria provided, single submitter. Criteria: GeneDx Variant Classification (06012015). Collection method: clinical testing. Allele origin: germline. Affected: yes.
Comment: This variant is considered likely benign or benign based on one or more of the following criteria: it is a conservative change, it occurs at a poorly conserved position in the protein, it is predicted to be benign by multiple in silico algorithms, and/or has population frequency not consistent with disease.

Laboratory for Molecular Medicine, Mass General Brigham Personalized Medicine
Classification: Benign. Last evaluated: 2012-05-07. Review status: criteria provided, single submitter. Criteria: LMM Criteria. Collection method: clinical testing. Allele origin: germline. Observed: 119 variant alleles.
Comment: Leu121Phe in Exon 05 of CCDC50: This variant is not expected to have clinical si gnificance because it has been identified in 5.3% (370/7020) of European America n chromosomes from a broad population by the NHLBI Exome Sequencing Project (dbSNP rs35380043).

Breakthrough Genomics
Classification: Benign. Review status: criteria provided, single submitter. Criteria: ACMG Guidelines, 2015. Collection method: not provided. Allele origin: germline. Inheritance: Autosomal dominant inheritance. Affected: yes.

PreventionGenetics, part of Exact Sciences
Classification: Benign. Review status: criteria provided, single submitter. Criteria: ACMG Guidelines, 2015. Collection method: clinical testing. Allele origin: germline.

NM_178335.3(CCDC50):c.363A>T (p.Leu121Phe)

Gene: CCDC50 (coiled-coil domain containing 50; plus strand). Cytogenetic location: 3q28.
Variant type: single nucleotide variant.
Coding change: c.363A>T on transcript NM_178335.3 (MANE Select); coding-DNA position 363, A replaced by T.
Protein change: p.Leu121Phe; replaces leucine 121 with phenylalanine.
Molecular consequence: missense variant.
Genome position (GRCh38, 1-based): chr3:191,369,951, A>T. VCF-style: chr3-191369951-A-T. GRCh37 (hg19) VCF-style: chr3-191087740-A-T.
Other names: c.363A>T, p.Leu121Phe (NM_174908.4); short protein forms L121F.
Identifiers: ClinVar variation 48154 (VCV000048154.15), dbSNP rs35380043, ClinGen allele CA142714.
Genomic context (GRCh38, chr3:191,369,951, plus strand): 5'-TATTTCCATTCTCCTCTTGTCTTTGCAGGACATAGCTCGCCTTTTGCAAGAAAAGGAGTT[A>T]CAGGAAGAGAAAAAGAGAAAGAAACACTTTCCAGAGTTCCCTGCAACCCGTGCTTATGCA-3'
Protein context (NP_848018.1, residues 111-131): DIARLLQEKE[Leu121Phe]QEEKKRKKHF